The following is an entry in ClinVar:

ClinVar aggregate classification (germline): Uncertain significance. Review status: criteria provided, multiple submitters, no conflicts (2 of 4 stars). 6 submissions from 6 submitters: Uncertain significance (5). 1 of the submissions does not count toward it. Last evaluated 2026-05-11.

Conditions:
Hereditary cancer-predisposing syndrome. Also called: Hereditary Cancer Syndrome; Tumor predisposition; Hereditary neoplastic syndrome; Neoplastic Syndromes, Hereditary. Identifiers: Orphanet 140162, MedGen C0027672, MeSH D009386, MONDO:0015356.
Classic or attenuated familial adenomatous polyposis. Identifiers: MedGen CN372698, MONDO:0021057.
Familial adenomatous polyposis 1 (FAP1). Also called: FAMILIAL ADENOMATOUS POLYPOSIS 1, ATTENUATED; POLYPOSIS, ADENOMATOUS INTESTINAL. Identifiers: MedGen C2713442, MONDO:0021056, OMIM 175100. Disease mechanism: loss of function.
Carcinoma of colon (CRC). Also called: Colon carcinoma; Colonic carcinoma. Identifiers: MedGen C0699790, MONDO:0002032.

Allele frequency attached by ClinVar (database versions not stated): gnomAD exomes below 0.00001.
gnomAD v4.1: 6 of 1,613,494 alleles (0.00037%); highest among the groups gnomAD compares: Non-Finnish European, 0.00042%; no homozygotes.

Submissions (6):

Ambry Genetics
Classification: Uncertain significance for Hereditary cancer-predisposing syndrome. Last evaluated: 2026-05-11. Review status: criteria provided, single submitter. Criteria: Ambry Variant Classification Scheme 2023. Collection method: clinical testing. Allele origin: germline.
Comment: The p.R2613K variant (also known as c.7838G>A), located in coding exon 15 of the APC gene, results from a G to A substitution at nucleotide position 7838. The arginine at codon 2613 is replaced by lysine, an amino acid with highly similar properties. This amino acid position is highly conserved in available vertebrate species. In addition, in silico predictors for this gene do not accurately predict pathogenicity. Missense alterations in APC are not a common cause of disease (Spier I et al. Genet Med. 2024 Feb;26(2):100992). Based on the available evidence, the clinical significance of this variant remains unclear.

Labcorp Genetics (formerly Invitae), Labcorp
Classification: Uncertain significance for Familial adenomatous polyposis 1. Last evaluated: 2024-11-27. Review status: criteria provided, single submitter. Criteria: Invitae Variant Classification Sherloc (09022015). Collection method: clinical testing. Allele origin: germline.
Comment: This sequence change replaces arginine, which is basic and polar, with lysine, which is basic and polar, at codon 2613 of the APC protein (p.Arg2613Lys). This variant is not present in population databases (gnomAD no frequency). This variant has not been reported in the literature in individuals affected with APC-related conditions. ClinVar contains an entry for this variant (Variation ID: 433677). Invitae Evidence Modeling of protein sequence and biophysical properties (such as structural, functional, and spatial information, amino acid conservation, physicochemical variation, residue mobility, and thermodynamic stability) indicates that this missense variant is not expected to disrupt APC protein function with a negative predictive value of 95%. In summary, the available evidence is currently insufficient to determine the role of this variant in disease. Therefore, it has been classified as a Variant of Uncertain Significance.

All of Us Research Program, National Institutes of Health
Classification: Uncertain significance for Classic or attenuated familial adenomatous polyposis. Last evaluated: 2023-07-10. Review status: criteria provided, single submitter. Criteria: ACMG Guidelines, 2015. Collection method: clinical testing. Allele origin: germline. Inheritance: Autosomal dominant inheritance. Observed: 3 variant alleles, 3 heterozygotes.
Comment: This missense variant replaces arginine with lysine at codon 2613 of the APC protein. Computational prediction suggests that this variant may not impact protein structure and function (internally defined REVEL score threshold <= 0.5, PMID: 27666373). To our knowledge, functional studies have not been reported for this variant. This variant has not been reported in individuals affected with APC-related disorders in the literature. This variant has not been identified in the general population by the Genome Aggregation Database (gnomAD). The available evidence is insufficient to determine the role of this variant in disease conclusively. Therefore, this variant is classified as a Variant of Uncertain Significance.

This study involves interpretation of variants in research participants for the purpose of population health screening. Participant phenotype was not available at the time of variant classification. Additional details can be found in publication PMID: 35346344, PMCID: PMC8962531

Color Diagnostics, LLC DBA Color Health
Classification: Uncertain significance for Hereditary cancer-predisposing syndrome. Last evaluated: 2023-05-18. Review status: criteria provided, single submitter. Criteria: ACMG Guidelines, 2015. Collection method: clinical testing. Allele origin: germline.
Comment: This missense variant replaces arginine with lysine at codon 2613 of the APC protein. Computational prediction suggests that this variant may not impact protein structure and function (internally defined REVEL score threshold <= 0.5, PMID: 27666373). To our knowledge, functional studies have not been reported for this variant. This variant has not been reported in individuals affected with APC-related disorders in the literature. This variant has not been identified in the general population by the Genome Aggregation Database (gnomAD). The available evidence is insufficient to determine the role of this variant in disease conclusively. Therefore, this variant is classified as a Variant of Uncertain Significance.

GeneDx
Classification: Uncertain significance. Last evaluated: 2020-12-11. Review status: criteria provided, single submitter. Criteria: GeneDx Variant Classification Process June 2021. Collection method: clinical testing. Allele origin: germline. Affected: yes.
Comment: Not observed in large population cohorts (Lek et al., 2016); In silico analysis supports that this missense variant does not alter protein structure/function; Has not been previously published as pathogenic or benign to our knowledge

Department of Pathology and Laboratory Medicine, Sinai Health System
Classification: Uncertain significance for Carcinoma of colon. Review status: no assertion criteria provided. Collection method: clinical testing. Allele origin: unknown. Affected: yes. Observed: 1 variant allele. Study: The Canadian Open Genetics Repository (COGR). Not counted in ClinVar's aggregate classification.
Comment: The APC p.Arg2613Lys variant was not identified in the literature nor was it identified in dbSNP, Clinvitae database, COSMIC, InSiGHT Colon Cancer Gene Variant Database (LOVD), Zhejiang Colon Cancer Database (LOVD), ClinVar database, GeneInsight - COGR database, UMD 1000 Genomes Project, NHLBI GO Exome Sequencing Project, and the Exome Aggregation Consortium database (March 14, 2016). The p.Arg2613 residue is conserved in mammals and lower organisms and computational analyses (PolyPhen-2, SIFT, AlignGVGD, BLOSUM, MutationTaster) provide inconsistent predictions regarding the impact to the protein; this information is not very predictive of pathogenicity. The variant occurs outside of the splicing consensus sequence and 1 of 5 in silico or computational prediction software programs (SpliceSiteFinder, MaxEntScan, NNSPLICE, GeneSplicer, HumanSpliceFinder) predict a greater than 10% difference in splicing; this is not very predictive of pathogenicity. In summary, based on the above information, the clinical significance of this variant cannot be determined with certainty at this time. This variant is classified as a variant of uncertain significance.

NM_000038.6(APC):c.7838G>A (p.Arg2613Lys)

Gene: APC (APC regulator of Wnt signaling pathway; plus strand). Cytogenetic location: 5q22.2.
Variant type: single nucleotide variant.
Coding change: c.7838G>A on transcript NM_000038.6 (MANE Select); coding-DNA position 7838, G replaced by A.
Protein change: p.Arg2613Lys; replaces arginine 2613 with lysine.
Molecular consequence: missense variant.
Genome position (GRCh38, 1-based): chr5:112,843,432, G>A. VCF-style: chr5-112843432-G-A. GRCh37 (hg19) VCF-style: chr5-112179129-G-A.
Other names: c.7838G>A, p.Arg2613Lys (NM_001127510.3, NM_001354895.2); c.7784G>A, p.Arg2595Lys (NM_001127511.3); c.7892G>A, p.Arg2631Lys (NM_001354896.2); c.7868G>A, p.Arg2623Lys (NM_001354897.2); c.7763G>A, p.Arg2588Lys (NM_001354898.2); c.7754G>A, p.Arg2585Lys (NM_001354899.2); c.7715G>A, p.Arg2572Lys (NM_001354900.2); c.7661G>A, p.Arg2554Lys (NM_001354901.2); and 5 more; short protein forms R2595K, R2613K, R2512K, R2522K, R2554K, R2453K, R2572K, R2588K.
Identifiers: ClinVar variation 433677 (VCV000433677.21), dbSNP rs1554088693, ClinGen allele CA16038358.